The following is an entry in ClinVar:

ClinVar aggregate classification (germline): Likely benign (1 of 4 stars; one submission).

gnomAD v4.1: 825 of 1,590,256 alleles (0.052%); highest among the groups gnomAD compares: African/African-American, 0.89%; 2 homozygotes.

Submission:

CeGaT Center for Human Genetics Tuebingen
Classification: Likely benign. Last evaluated: 2025-01-01. Review status: criteria provided, single submitter. Criteria: CeGaT Center For Human Genetics Tuebingen Variant Classification Criteria Version 2. Collection method: clinical testing. Allele origin: germline. Affected: yes. Observed: 1 variant allele.
Comment: GJD4: BP4, BP7

NM_153368.3(GJD4):c.693C>G (p.Pro231=)

Gene: GJD4 (gap junction protein delta 4; plus strand). Cytogenetic location: 10p11.21.
Variant type: single nucleotide variant.
Coding change: c.693C>G on transcript NM_153368.3 (MANE Select); coding-DNA position 693, C replaced by G.
Protein change: p.Pro231=; no amino-acid change (proline 231 retained).
Molecular consequence: synonymous variant.
Genome position (GRCh38, 1-based): chr10:35,608,206, C>G. VCF-style: chr10-35608206-C-G. GRCh37 (hg19) VCF-style: chr10-35897134-C-G.
Identifiers: ClinVar variation 3771207 (VCV003771207.13).
Genomic context (GRCh38, chr10:35,608,206, plus strand): 5'-GGGCCTCGCCGACCTGGTCTGCAGCCTGCGGCGGCGGATGCGCAGGAGGCCGGGACCCCC[C>G]ACAAGCCCCTCCATCCGGAAGCAGAGCGGAGCCTCAGGCCACGCGGAGGGACGCCGGACT-3'
Protein context (NP_699199.2, residues 221-241): RRRMRRRPGP[Pro231=]TSPSIRKQSG